The following is an entry in ClinVar:

NM_006265.3(RAD21):c.622_623insGGTT (p.His208fs)

Gene: RAD21 (RAD21 cohesin complex component; minus strand). Cytogenetic location: 8q24.11.
Variant type: Insertion.
Coding change: c.622_623insGGTT on transcript NM_006265.3 (MANE Select); coding-DNA positions 622 to 623, GGTT inserted.
Protein change: p.His208fs; shifts the reading frame from histidine 208.
Molecular consequence: frameshift variant.
Genome position: GRCh38 VCF-style: chr8-116857332-T-TAACC. GRCh37 (hg19) VCF-style: chr8-117869571-T-TAACC.
Other names: short protein forms H208fs.
Identifiers: ClinVar variation 4537918 (VCV004537918.1).

ClinVar aggregate classification (germline): Pathogenic (1 of 4 stars; one submission).

Submission:

GeneDx
Classification: Pathogenic. Last evaluated: 2025-06-12. Review status: criteria provided, single submitter. Criteria: GeneDx Variant Classification Process June 2021. Collection method: clinical testing. Allele origin: germline. Affected: yes.
Comment: Frameshift variant predicted to result in protein truncation or nonsense mediated decay in a gene for which loss of function is a known mechanism of disease; Not observed at significant frequency in large population cohorts (gnomAD); Has not been previously published as pathogenic or benign to our knowledge